The following is an entry in ClinVar:

NM_001387777.1(TNS1):c.2322G>A (p.Ser774=)

Gene: TNS1 (tensin 1; minus strand). Cytogenetic location: 2q35.
Variant type: single nucleotide variant.
Coding change: c.2322G>A on transcript NM_001387777.1 (MANE Select); coding-DNA position 2322, G replaced by A.
Protein change: p.Ser774=; no amino-acid change (serine 774 retained).
Molecular consequence: synonymous variant.
Genome position (GRCh38, 1-based): chr2:217,848,195, C>T on the plus strand (G>A on the coding strand, the complement: TNS1 is on the minus strand). VCF-style: chr2-217848195-C-T. GRCh37 (hg19) VCF-style: chr2-218712918-C-T.
Other names: c.1947G>A, p.Ser649= (NM_001308022.2, NM_001308023.2, NM_022648.7).
Identifiers: ClinVar variation 3060794 (VCV003060794.2), dbSNP rs3796031, ClinGen allele CA2100268.

ClinVar aggregate classification (germline): Benign (0 of 4 stars; one submission).

Conditions:
TNS1-related disorder. Also called: TNS1-related condition.

Allele frequency attached by ClinVar (database versions not stated): gnomAD exomes 0.45086; ESP Exome Variant Server 0.54093; TOPMed 0.57227; 1000 Genomes Project 30x 0.64507; 1000 Genomes Project 0.64696.
gnomAD v4.1: 739,316 of 1,600,192 alleles (46%); highest among the groups gnomAD compares: African/African-American, 78%; 180,340 homozygotes.

Submission:

PreventionGenetics, part of Exact Sciences
Classification: Benign for TNS1-related condition. Last evaluated: 2019-10-17. Review status: no assertion criteria provided. Collection method: clinical testing. Allele origin: germline.
Comment: This variant is classified as benign based on ACMG/AMP sequence variant interpretation guidelines (Richards et al. 2015 PMID: 25741868, with internal and published modifications).